The following is an entry in ClinVar:

NM_000170.3(GLDC):c.2278dup (p.His760fs)

Gene: GLDC (glycine decarboxylase; minus strand). Cytogenetic location: 9p24.1.
Variant type: Duplication.
Coding change: c.2278dup on transcript NM_000170.3 (MANE Select); coding-DNA position 2278, one base duplicated (C; older notation c.2278dupC).
Protein change: p.His760fs; shifts the reading frame from histidine 760.
Molecular consequence: frameshift variant.
Genome position (GRCh38, 1-based): chr9:6,554,706, G duplicated on the plus strand (C on the coding strand, the reverse complement: GLDC is on the minus strand); the first of 4 consecutive G bases (chr9:6,554,706-6,554,709); duplicating any one gives the same sequence. VCF-style (leftmost placement, unchanged base first): chr9-6554705-T-TG. GRCh37 (hg19) VCF-style: chr9-6554705-T-TG.
Other names: c.2278dupC (NM_000170.2); short protein forms H760fs.
Identifiers: ClinVar variation 565866 (VCV000565866.5), dbSNP rs1563834980, ClinGen allele CA891842525.

ClinVar aggregate classification (germline): Pathogenic (1 of 4 stars; one submission).

Conditions:
Glycine encephalopathy. Also called: Non-ketotic hyperglycinemia; Nonketotic hyperglycinemia. Identifiers: Orphanet 407, MedGen C0751748, MONDO:0011612, HP:0008288.

Submission:

Labcorp Genetics (formerly Invitae), Labcorp
Classification: Pathogenic for Glycine encephalopathy. Last evaluated: 2023-07-19. Review status: criteria provided, single submitter. Criteria: Invitae Variant Classification Sherloc (09022015). Collection method: clinical testing. Allele origin: germline.
Comment: This sequence change creates a premature translational stop signal (p.His760Profs*33) in the GLDC gene. It is expected to result in an absent or disrupted protein product. Loss-of-function variants in GLDC are known to be pathogenic (PMID: 16601880). This variant is not present in population databases (gnomAD no frequency). This variant has not been reported in the literature in individuals affected with GLDC-related conditions. ClinVar contains an entry for this variant (Variation ID: 565866). For these reasons, this variant has been classified as Pathogenic.

Literature cited by the submitters: PubMed 16601880.